The following is an entry in ClinVar:

ClinVar aggregate classification (germline): Uncertain significance (1 of 4 stars; one submission).

Submission:

Labcorp Genetics (formerly Invitae), Labcorp
Classification: Uncertain significance. Last evaluated: 2025-02-12. Review status: criteria provided, single submitter. Criteria: Invitae Variant Classification Sherloc (09022015). Collection method: clinical testing. Allele origin: germline.
Comment: This sequence change results in a frameshift in the RNF31 gene (p.Gln1039Profs*). While this is not anticipated to result in nonsense mediated decay, it is expected to disrupt the last 34 amino acid(s) of the RNF31 protein and extend the protein by 30 additional amino acid residues. This variant is not present in population databases (gnomAD no frequency). This variant has not been reported in the literature in individuals affected with RNF31-related conditions. In summary, the available evidence is currently insufficient to determine the role of this variant in disease. Therefore, it has been classified as a Variant of Uncertain Significance.

NM_017999.5(RNF31):c.3115dup (p.Gln1039fs)

Gene: RNF31 (ring finger protein 31; plus strand). Cytogenetic location: 14q12.
Variant type: Duplication.
Coding change: c.3115dup on transcript NM_017999.5 (MANE Select); coding-DNA position 3115, one base duplicated (C; older notation c.3115dupC).
Protein change: p.Gln1039fs; shifts the reading frame from glutamine 1039.
Molecular consequence: frameshift variant.
Genome position (GRCh38, 1-based): chr14:24,160,357, C duplicated; the last of 5 consecutive C bases (chr14:24,160,353-24,160,357); duplicating any one gives the same sequence. VCF-style (leftmost placement, unchanged base first): chr14-24160352-G-GC. GRCh37 (hg19) VCF-style: chr14-24629561-G-GC.
Other names: c.2662dup, p.Gln888fs (NM_001310332.2); short protein forms Q1039fs, Q888fs.
Identifiers: ClinVar variation 4712345 (VCV004712345.1).